The following is an entry in ClinVar:

ClinVar aggregate classification (germline): Uncertain significance (1 of 4 stars; one submission).

Conditions:
Cardiovascular phenotype. Identifiers: MedGen CN230736.

gnomAD v4.1: 26 of 1,550,412 alleles (0.0017%); highest among the groups gnomAD compares: East Asian, 0.064%; no homozygotes.

Submission:

Ambry Genetics
Classification: Uncertain significance for Cardiovascular phenotype. Last evaluated: 2023-01-13. Review status: criteria provided, single submitter. Criteria: Ambry Variant Classification Scheme 2023. Collection method: clinical testing. Allele origin: germline.
Comment: The p.P3502L variant (also known as c.10505C>T), located in coding exon 2 of the ZNF469 gene, results from a C to T substitution at nucleotide position 10505. The proline at codon 3502 is replaced by leucine, an amino acid with similar properties. This amino acid position is conserved. In addition, this alteration is predicted to be tolerated by in silico analysis. Since supporting evidence is limited at this time, the clinical significance of this alteration remains unclear.

NM_001367624.2(ZNF469):c.10589C>T (p.Pro3530Leu)

Gene: ZNF469 (zinc finger protein 469; plus strand). Cytogenetic location: 16q24.2.
Variant type: single nucleotide variant.
Coding change: c.10589C>T on transcript NM_001367624.2 (MANE Select); coding-DNA position 10589, C replaced by T.
Protein change: p.Pro3530Leu; replaces proline 3530 with leucine.
Molecular consequence: missense variant.
Genome position (GRCh38, 1-based): chr16:88,438,059, C>T. VCF-style: chr16-88438059-C-T. GRCh37 (hg19) VCF-style: chr16-88504467-C-T.
Other names: NM_001127464.1:c.10505C>T; short protein forms P3530L.
Identifiers: ClinVar variation 2449479 (VCV002449479.2), dbSNP rs1209728129, ClinGen allele CA397127288.